The following is an entry in ClinVar:

ClinVar aggregate classification (germline): Uncertain significance (1 of 4 stars; one submission).

Conditions:
Osteogenesis imperfecta type 8 (OI8). Identifiers: MedGen C1970458, MONDO:0012581, OMIM 610915.

gnomAD v4.1: 2 of 1,613,716 alleles (0.00012%); highest among the groups gnomAD compares: Non-Finnish European, 0.00017%; 1 homozygote.

Submission:

Labcorp Genetics (formerly Invitae), Labcorp
Classification: Uncertain significance for Osteogenesis imperfecta type 8. Last evaluated: 2021-11-25. Review status: criteria provided, single submitter. Criteria: Invitae Variant Classification Sherloc (09022015). Collection method: clinical testing. Allele origin: germline.
Comment: This sequence change replaces serine, which is neutral and polar, with cysteine, which is neutral and slightly polar, at codon 562 of the P3H1 protein (p.Ser562Cys). In summary, the available evidence is currently insufficient to determine the role of this variant in disease. Therefore, it has been classified as a Variant of Uncertain Significance. Algorithms developed to predict the effect of missense changes on protein structure and function are either unavailable or do not agree on the potential impact of this missense change (SIFT: "Deleterious"; PolyPhen-2: "Probably Damaging"; Align-GVGD: "Class C0"). This variant has not been reported in the literature in individuals affected with P3H1-related conditions. This variant is not present in population databases (gnomAD no frequency).

NM_022356.4(P3H1):c.1685C>G (p.Ser562Cys)

Gene: P3H1 (prolyl 3-hydroxylase 1; minus strand). Cytogenetic location: 1p34.2.
Variant type: single nucleotide variant.
Coding change: c.1685C>G on transcript NM_022356.4 (MANE Select); coding-DNA position 1685, C replaced by G.
Protein change: p.Ser562Cys; replaces serine 562 with cysteine.
Molecular consequence: missense variant.
Genome position (GRCh38, 1-based): chr1:42,750,221, G>C on the plus strand (C>G on the coding strand, the complement: P3H1 is on the minus strand). VCF-style: chr1-42750221-G-C. GRCh37 (hg19) VCF-style: chr1-43215892-G-C.
Other names: c.1685C>G, p.Ser562Cys (NM_001146289.2, NM_001243246.2); short protein forms S562C.
Identifiers: ClinVar variation 1421728 (VCV001421728.6), dbSNP rs1651954957, ClinGen allele CA339954745.